The following is an entry in ClinVar:

NM_020971.3(SPTBN4):c.1582C>T (p.Arg528Trp)

Gene: SPTBN4 (spectrin beta, non-erythrocytic 4; plus strand). Cytogenetic location: 19q13.2.
Variant type: single nucleotide variant.
Coding change: c.1582C>T on transcript NM_020971.3 (MANE Select); coding-DNA position 1582, C replaced by T.
Protein change: p.Arg528Trp; replaces arginine 528 with tryptophan.
Molecular consequence: missense variant.
Genome position (GRCh38, 1-based): chr19:40,504,049, C>T. VCF-style: chr19-40504049-C-T. GRCh37 (hg19) VCF-style: chr19-41009956-C-T.
Other names: short protein forms R528W.
Identifiers: ClinVar variation 3169587 (VCV003169587.4), dbSNP rs372472584, ClinGen allele CA9445679.

ClinVar aggregate classification (germline): Uncertain significance. Review status: criteria provided, multiple submitters, no conflicts (2 of 4 stars). 3 submissions from 3 submitters: Uncertain significance (3). Last evaluated 2026-09-11.

Conditions:
SPTBN4-related disorder. Also called: SPTBN4-related condition.
Inborn genetic diseases. Identifiers: MedGen C0950123, MeSH D030342.

Allele frequency attached by ClinVar (database versions not stated): ExAC 0.00006; ESP Exome Variant Server 0.00008; gnomAD 0.00013; gnomAD exomes 0.00017.

Submissions (3):

PreventionGenetics, part of Exact Sciences
Classification: Uncertain significance for SPTBN4-related condition. Last evaluated: 2026-09-11. Review status: criteria provided, single submitter. Criteria: ACMG Guidelines, 2015. Collection method: clinical testing. Allele origin: germline.
Comment: The SPTBN4 c.1582C>T variant is predicted to result in the amino acid substitution p.Arg528Trp. To our knowledge, this variant has not been reported in the literature. This variant is reported in 0.016% of alleles in individuals of European (Non-Finnish) descent in gnomAD. At this time, the clinical significance of this variant is uncertain due to the absence of conclusive functional and genetic evidence.

Blueprint Genetics
Classification: Uncertain significance. Last evaluated: 2024-11-15. Review status: criteria provided, single submitter. Criteria: ACMG Guidelines, 2015. Collection method: clinical testing. Allele origin: germline.

Ambry Genetics
Classification: Uncertain significance for Inborn genetic diseases. Last evaluated: 2023-11-03. Review status: criteria provided, single submitter. Criteria: Ambry Variant Classification Scheme 2023. Collection method: clinical testing. Allele origin: germline.